The following is an entry in ClinVar:

NM_005612.5(REST):c.2945G>T (p.Arg982Leu)

Gene: REST (RE1 silencing transcription factor; plus strand). Cytogenetic location: 4q12.
Variant type: single nucleotide variant.
Coding change: c.2945G>T on transcript NM_005612.5 (MANE Select); coding-DNA position 2945, G replaced by T.
Protein change: p.Arg982Leu; replaces arginine 982 with leucine.
Molecular consequence: missense variant.
Genome position (GRCh38, 1-based): chr4:56,931,803, G>T. VCF-style: chr4-56931803-G-T. GRCh37 (hg19) VCF-style: chr4-57797969-G-T.
Other names: c.2945G>T, p.Arg982Leu (NM_001193508.2, NM_001363453.3); short protein forms R982L.
Identifiers: ClinVar variation 2173180 (VCV002173180.6), dbSNP rs781705605, ClinGen allele CA357009870.

ClinVar aggregate classification (germline): Conflicting classifications of pathogenicity. Review status: criteria provided, conflicting classifications (1 of 4 stars). 3 submissions from 3 submitters: Uncertain significance (2); Likely benign (1). Last evaluated 2024-03-12.

Conditions:
Inborn genetic diseases. Identifiers: MedGen C0950123, MeSH D030342.

gnomAD v4.1: 53 of 1,614,188 alleles (0.0033%); highest among the groups gnomAD compares: Non-Finnish European, 0.0044%; no homozygotes.

Submissions (3):

Ambry Genetics
Classification: Uncertain significance for Inborn genetic diseases. Last evaluated: 2024-03-12. Review status: criteria provided, single submitter. Criteria: Ambry Variant Classification Scheme 2023. Collection method: clinical testing. Allele origin: germline.

Blueprint Genetics
Classification: Likely benign. Last evaluated: 2022-07-17. Review status: criteria provided, single submitter. Criteria: ACMG Guidelines, 2015. Collection method: clinical testing. Allele origin: germline.

Labcorp Genetics (formerly Invitae), Labcorp
Classification: Uncertain significance. Last evaluated: 2022-03-15. Review status: criteria provided, single submitter. Criteria: Invitae Variant Classification Sherloc (09022015). Collection method: clinical testing. Allele origin: germline.
Comment: In summary, the available evidence is currently insufficient to determine the role of this variant in disease. Therefore, it has been classified as a Variant of Uncertain Significance. Algorithms developed to predict the effect of missense changes on protein structure and function (SIFT, PolyPhen-2, Align-GVGD) all suggest that this variant is likely to be tolerated. This variant has not been reported in the literature in individuals affected with REST-related conditions. This variant is present in population databases (no rsID available, gnomAD 0.002%). This sequence change replaces arginine, which is basic and polar, with leucine, which is neutral and non-polar, at codon 982 of the REST protein (p.Arg982Leu).